The following is an entry in ClinVar:

ClinVar aggregate classification (germline): Benign/Likely benign. Review status: criteria provided, multiple submitters, no conflicts (2 of 4 stars). 6 submissions from 6 submitters: Benign (2); Likely benign (4). Last evaluated 2026-09-01.

Conditions:
Inborn genetic diseases. Identifiers: MedGen C0950123, MeSH D030342.
Congenital hypotonia, epilepsy, developmental delay, and digital anomalies (CHEDDA). Also called: ATN1-Related Neurodevelopmental Disorder. Identifiers: MedGen C5193125, MONDO:0032781, OMIM 618494.

Allele frequency attached by ClinVar (database versions not stated): 1000 Genomes Project 30x 0.00156; 1000 Genomes Project 0.00180; gnomAD 0.00386 and 0.00395; ESP Exome Variant Server 0.00396; TOPMed 0.00429; gnomAD exomes 0.00612.

Submissions (6):

CeGaT Center for Human Genetics Tuebingen
Classification: Benign. Last evaluated: 2026-09-01. Review status: criteria provided, single submitter. Criteria: CeGaT Center For Human Genetics Tuebingen Variant Classification Criteria Version 2. Collection method: clinical testing. Allele origin: germline. Affected: yes. Observed: 21 variant alleles.
Comment: ATN1: BS1, BS2

ARUP Laboratories, Molecular Genetics and Genomics, ARUP Laboratories
Classification: Likely benign. Last evaluated: 2024-11-12. Review status: criteria provided, single submitter. Criteria: ARUP Molecular Germline Variant Investigation Process 2024. Collection method: clinical testing. Allele origin: germline.

Mayo Clinic Laboratories, Mayo Clinic
Classification: Benign. Last evaluated: 2022-08-24. Review status: criteria provided, single submitter. Criteria: ACMG Guidelines, 2015. Collection method: clinical testing. Allele origin: germline. Observed: 5 variant alleles.
Comment: BS1, BS2, BP4

Ambry Genetics
Classification: Likely benign for Inborn genetic diseases. Last evaluated: 2021-11-15. Review status: criteria provided, single submitter. Criteria: Ambry Variant Classification Scheme 2023. Collection method: clinical testing. Allele origin: germline.

Institute of Human Genetics, University of Leipzig Medical Center
Classification: Likely benign for Congenital hypotonia, epilepsy, developmental delay, and digital anomalies. Last evaluated: 2019-01-01. Review status: criteria provided, single submitter. Criteria: ACMG Guidelines, 2015. Collection method: clinical testing. Allele origin: unknown. Affected: yes.

Breakthrough Genomics
Classification: Likely benign. Review status: criteria provided, single submitter. Criteria: ACMG Guidelines, 2015. Collection method: not provided. Allele origin: germline. Inheritance: Autosomal dominant inheritance. Affected: yes.

NM_001940.4(ATN1):c.706A>C (p.Lys236Gln)

Gene: ATN1 (atrophin 1; plus strand). Cytogenetic location: 12p13.31.
Variant type: single nucleotide variant.
Coding change: c.706A>C on transcript NM_001940.4 (MANE Select); coding-DNA position 706, A replaced by C.
Protein change: p.Lys236Gln; replaces lysine 236 with glutamine.
Molecular consequence: missense variant.
Genome position (GRCh38, 1-based): chr12:6,935,973, A>C. VCF-style: chr12-6935973-A-C. GRCh37 (hg19) VCF-style: chr12-7045136-A-C.
Other names: p.Lys236Gln; c.706A>C, p.Lys236Gln (NM_001007026.2); short protein forms K236Q.
Identifiers: ClinVar variation 982646 (VCV000982646.29), dbSNP rs200232074, ClinGen allele CA6420434.